The following is an entry in ClinVar:

NM_001370694.2(ANO7):c.840C>T (p.His280=)

Gene: ANO7 (anoctamin 7; plus strand). Cytogenetic location: 2q37.3.
Variant type: single nucleotide variant.
Coding change: c.840C>T on transcript NM_001370694.2 (MANE Select); coding-DNA position 840, C replaced by T.
Protein change: p.His280=; no amino-acid change (histidine 280 retained).
Molecular consequence: synonymous variant.
Genome position (GRCh38, 1-based): chr2:241,203,449, C>T. VCF-style: chr2-241203449-C-T. GRCh37 (hg19) VCF-style: chr2-242142864-C-T.
Other names: c.1002C>T, p.His334= (NM_001001891.3).
Identifiers: ClinVar variation 2652110 (VCV002652110.24), dbSNP rs565229836, ClinGen allele CA2214862.
Genomic context (GRCh38, chr2:241,203,449, plus strand): 5'-AGTCCTTTTCCAGCACTGGGCGCGCTGGGGCAAGTGGAACAAGTACCAGCCCCTGGACCA[C>T]GTGCGCAGGTACTTCGGGGAGAAGGTGGCCCTCTACTTCGCCTGGCTCGGTGAGTCCCCC-3'
Protein context (NP_001357623.1, residues 270-290): GKWNKYQPLD[His280=]VRRYFGEKVA

ClinVar aggregate classification (germline): Likely benign (1 of 4 stars; one submission).

Allele frequency attached by ClinVar (database versions not stated): gnomAD 0.00014; TOPMed 0.00019; ExAC 0.00055; 1000 Genomes Project 30x 0.00062; 1000 Genomes Project 0.00080.
gnomAD v4.1: 366 of 1,580,354 alleles (0.023%); highest among the groups gnomAD compares: South Asian, 0.19%; 2 homozygotes.

Submission:

CeGaT Center for Human Genetics Tuebingen
Classification: Likely benign. Last evaluated: 2022-08-01. Review status: criteria provided, single submitter. Criteria: CeGaT Center For Human Genetics Tuebingen Variant Classification Criteria Version 2. Collection method: clinical testing. Allele origin: germline. Affected: yes. Observed: 1 variant allele.
Comment: ANO7: BP4, BP7